The following is an entry in ClinVar:

NM_006306.4(SMC1A):c.812G>A (p.Gly271Asp)

Gene: SMC1A (structural maintenance of chromosomes 1A; minus strand). Cytogenetic location: Xp11.22.
Variant type: single nucleotide variant.
Coding change: c.812G>A on transcript NM_006306.4 (MANE Select); coding-DNA position 812, G replaced by A.
Protein change: p.Gly271Asp; replaces glycine 271 with aspartic acid.
Molecular consequence: missense variant.
Genome position (GRCh38, 1-based): chrX:53,412,942, C>T on the plus strand (G>A on the coding strand, the complement: SMC1A is on the minus strand). VCF-style: chrX-53412942-C-T. GRCh37 (hg19) VCF-style: chrX-53439892-C-T.
Other names: c.746G>A, p.Gly249Asp (NM_001281463.1); short protein forms G249D, G271D.
Identifiers: ClinVar variation 1464767 (VCV001464767.8), dbSNP rs2146605306, ClinGen allele CA413258347.

ClinVar aggregate classification (germline): Uncertain significance (1 of 4 stars; one submission).

Conditions:
Congenital muscular hypertrophy-cerebral syndrome (CDLS2). Also called: SMC1A-Related Cornelia de Lange Syndrome; Cornelia de Lange syndrome 2. Identifiers: Orphanet 199, MedGen C1802395, MONDO:0010370, OMIM 300590.

Submission:

Labcorp Genetics (formerly Invitae), Labcorp
Classification: Uncertain significance for Congenital muscular hypertrophy-cerebral syndrome. Last evaluated: 2022-07-26. Review status: criteria provided, single submitter. Criteria: Invitae Variant Classification Sherloc (09022015). Collection method: clinical testing. Allele origin: germline.
Comment: Advanced modeling of protein sequence and biophysical properties (such as structural, functional, and spatial information, amino acid conservation, physicochemical variation, residue mobility, and thermodynamic stability) performed at Invitae indicates that this missense variant is expected to disrupt SMC1A protein function. In summary, the available evidence is currently insufficient to determine the role of this variant in disease. Therefore, it has been classified as a Variant of Uncertain Significance. ClinVar contains an entry for this variant (Variation ID: 1464767). This variant has not been reported in the literature in individuals affected with SMC1A-related conditions. This variant is not present in population databases (gnomAD no frequency). This sequence change replaces glycine, which is neutral and non-polar, with aspartic acid, which is acidic and polar, at codon 271 of the SMC1A protein (p.Gly271Asp).